The following is an entry in ClinVar:

ClinVar aggregate classification (germline): Uncertain significance (1 of 4 stars; one submission).

Submission:

GeneDx
Classification: Uncertain significance. Last evaluated: 2025-01-15. Review status: criteria provided, single submitter. Criteria: GeneDx Variant Classification Process June 2021. Collection method: clinical testing. Allele origin: germline. Affected: yes.
Comment: Not observed at significant frequency in large population cohorts (gnomAD); In silico analysis indicates that this missense variant does not alter protein structure/function; Has not been previously published as pathogenic or benign to our knowledge

NM_001042750.2(STAG2):c.88A>G (p.Ile30Val)

Gene: STAG2 (STAG2 cohesin complex component; plus strand). Cytogenetic location: Xq25.
Variant type: single nucleotide variant.
Coding change: c.88A>G on transcript NM_001042750.2 (MANE Select); coding-DNA position 88, A replaced by G.
Protein change: p.Ile30Val; replaces isoleucine 30 with valine.
Molecular consequence: missense variant.
Genome position (GRCh38, 1-based): chrX:124,025,883, A>G. VCF-style: chrX-124025883-A-G. GRCh37 (hg19) VCF-style: chrX-123159733-A-G.
Other names: c.88A>G, p.Ile30Val (NM_001042749.2, NM_001042751.2, NM_001282418.2 and 13 more transcripts); short protein forms I30V.
Identifiers: ClinVar variation 4070715 (VCV004070715.1).